The following is an entry in ClinVar:

NM_018109.4(MTPAP):c.916T>C (p.Leu306=)

Gene: MTPAP (mitochondrial poly(A) polymerase; minus strand). Cytogenetic location: 10p11.23.
Variant type: single nucleotide variant.
Coding change: c.916T>C on transcript NM_018109.4 (MANE Select); coding-DNA position 916, T replaced by C.
Protein change: p.Leu306=; no amino-acid change (leucine 306 retained).
Molecular consequence: synonymous variant.
Genome position (GRCh38, 1-based): chr10:30,326,500, A>G on the plus strand (T>C on the coding strand, the complement: MTPAP is on the minus strand). VCF-style: chr10-30326500-A-G. GRCh37 (hg19) VCF-style: chr10-30615429-A-G.
Identifiers: ClinVar variation 1179521 (VCV001179521.12), dbSNP rs191209359, ClinGen allele CA5459077.
Genomic context (GRCh38, chr10:30,326,500, plus strand): 5'-AATCACACTGAAATCCGGAGGCCTGGTGTGAGAACCTCACGAGCGGACACCGGGCATTTA[A>G]TATTTTTTGCACACCCACACAGCCAGGGCCAAAGTGGTCAAGGCACTCTCCTAACACAGA-3'
Protein context (NP_060579.3, residues 296-316): GPGCVGVQKI[Leu306=]NARCPLVRFS

ClinVar aggregate classification (germline): Benign. Review status: criteria provided, multiple submitters, no conflicts (2 of 4 stars). 4 submissions from 4 submitters: Benign (3). 1 of the submissions does not count toward it. Last evaluated 2025-12-06.

Conditions:
MTPAP-related disorder. Also called: MTPAP-related condition.

Allele frequency attached by ClinVar (database versions not stated): gnomAD exomes 0.00011 and 0.00020; TOPMed 0.00012; gnomAD 0.00013; 1000 Genomes Project 30x 0.00016; ExAC 0.00017; 1000 Genomes Project 0.00020.
gnomAD v4.1: 189 of 1,614,204 alleles (0.012%); highest among the groups gnomAD compares: Admixed American, 0.025%; no homozygotes.

Submissions (4):

Labcorp Genetics (formerly Invitae), Labcorp
Classification: Benign. Last evaluated: 2025-12-06. Review status: criteria provided, single submitter. Criteria: Invitae Variant Classification Sherloc (09022015). Collection method: clinical testing. Allele origin: germline.

Athena Diagnostics
Classification: Benign. Last evaluated: 2024-02-29. Review status: criteria provided, single submitter. Criteria: Athena Diagnostics Criteria. Collection method: clinical testing. Allele origin: unknown.

GeneDx
Classification: Benign. Last evaluated: 2015-03-03. Review status: criteria provided, single submitter. Criteria: GeneDx Variant Classification Process June 2021. Collection method: clinical testing. Allele origin: germline. Affected: yes.

PreventionGenetics, part of Exact Sciences
Classification: Likely benign for MTPAP-related condition. Last evaluated: 2019-08-02. Review status: no assertion criteria provided. Collection method: clinical testing. Allele origin: germline. Not counted in ClinVar's aggregate classification.
Comment: This variant is classified as likely benign based on ACMG/AMP sequence variant interpretation guidelines (Richards et al. 2015 PMID: 25741868, with internal and published modifications).